The following is an entry in ClinVar:

NM_201253.3(CRB1):c.849-2A>G

Gene: CRB1 (crumbs cell polarity complex component 1; plus strand). Cytogenetic location: 1q31.3.
Variant type: single nucleotide variant.
Coding change: c.849-2A>G on transcript NM_201253.3 (MANE Select); the canonical splice acceptor site of the intron before coding-DNA position 849, A replaced by G.
Molecular consequence: splice acceptor variant. On other transcripts: intron variant (1).
Genome position (GRCh38, 1-based): chr1:197,347,338, A>G. VCF-style: chr1-197347338-A-G. GRCh37 (hg19) VCF-style: chr1-197316468-A-G.
Other names: c.642-2A>G (NM_001257965.2); c.849-2A>G (NM_001257966.2); c.653-9493A>G (NM_001193640.2).
Identifiers: ClinVar variation 1067211 (VCV001067211.8), dbSNP rs988534225, ClinGen allele CA36048735.
Genomic context (GRCh38, chr1:197,347,338, plus strand): 5'-TATAAAGATATCTGATCTCAATATGACTAAGAGTTGACATGAAAATTTCATTTACTTTCC[A>G]GATATAGCTGTAACTGCACGGGTAGTGGATTCACAGGGACACACTGTGAGACCTTGATGC-3'

ClinVar aggregate classification (germline): Likely pathogenic. Review status: criteria provided, multiple submitters, no conflicts (2 of 4 stars). 2 submissions from 2 submitters: Likely pathogenic (2). Last evaluated 2025-07-23.

Conditions:
Retinitis pigmentosa 12 (RP12). Also called: RP WITH OR WITHOUT PPRPE; RP WITH OR WITHOUT PRESERVED PARAARTERIOLE RETINAL PIGMENT EPITHELIUM; RETINITIS PIGMENTOSA WITH OR WITHOUT PARAARTERIOLAR PRESERVATION OF RETINAL PIGMENT EPITHELIUM. Identifiers: Orphanet 791, MedGen C1838647, MONDO:0010818, OMIM 600105.
Leber congenital amaurosis 8 (LCA8). Identifiers: Orphanet 65, MedGen C3151202, MONDO:0013453, OMIM 613835.

Allele frequency attached by ClinVar (database versions not stated): gnomAD exomes below 0.00001 and 0.00001.
gnomAD v4.1: 6 of 1,613,452 alleles (0.00037%); highest among the groups gnomAD compares: Admixed American, 0.0017%; no homozygotes.

Submissions (2):

Labcorp Genetics (formerly Invitae), Labcorp
Classification: Likely pathogenic for Leber congenital amaurosis 8; Retinitis pigmentosa 12. Last evaluated: 2025-07-23. Review status: criteria provided, single submitter. Criteria: Invitae Variant Classification Sherloc (09022015). Collection method: clinical testing. Allele origin: germline.
Comment: This sequence change affects an acceptor splice site in intron 3 of the CRB1 gene. It is expected to disrupt RNA splicing. Variants that disrupt the donor or acceptor splice site typically lead to a loss of protein function (PMID: 16199547), and loss-of-function variants in CRB1 are known to be pathogenic (PMID: 10508521, 22065545, 23379534, 25412400, 26957898, 28041643, 29391521). This variant is present in population databases (no rsID available, gnomAD 0.003%). This variant has not been reported in the literature in individuals affected with CRB1-related conditions. ClinVar contains an entry for this variant (Variation ID: 1067211). Algorithms developed to predict the effect of sequence changes on RNA splicing suggest that this variant may disrupt the consensus splice site. In summary, the currently available evidence indicates that the variant is pathogenic, but additional data are needed to prove that conclusively. Therefore, this variant has been classified as Likely Pathogenic.

Baylor Genetics
Classification: Likely pathogenic for Leber congenital amaurosis 8. Last evaluated: 2023-12-14. Review status: criteria provided, single submitter. Criteria: ACMG Guidelines, 2015. Collection method: clinical testing. Allele origin: unknown.

Literature cited by the submitters: PubMed 16199547 (cited by Labcorp Genetics (formerly Invitae), Labcorp); PubMed 10508521 (cited by Labcorp Genetics (formerly Invitae), Labcorp); PubMed 22065545 (cited by Labcorp Genetics (formerly Invitae), Labcorp); PubMed 23379534 (cited by Labcorp Genetics (formerly Invitae), Labcorp); PubMed 25412400 (cited by Labcorp Genetics (formerly Invitae), Labcorp); PubMed 26957898 (cited by Labcorp Genetics (formerly Invitae), Labcorp); PubMed 28041643 (cited by Labcorp Genetics (formerly Invitae), Labcorp); PubMed 29391521 (cited by Labcorp Genetics (formerly Invitae), Labcorp).